The following is an entry in ClinVar:

ClinVar aggregate classification (germline): Benign (1 of 4 stars; one submission).

Conditions:
Congenital erythropoietic porphyria. Also called: GUNTHER DISEASE; UROS DEFICIENCY; Cutaneous porphyria; Congenital porphyria; Günther disease; Uroporphyrinogen III synthase, deficiency of. Identifiers: Orphanet 79277, MedGen C5886774, MONDO:0009902, OMIM 263700.

Allele frequency attached by ClinVar (database versions not stated): gnomAD 0.00096 and 0.00196; gnomAD exomes 0.00427; 1000 Genomes Project 30x 0.00906; TOPMed 0.00130; 1000 Genomes Project 0.00899.
gnomAD v4.1: 338 of 163,024 alleles (0.21%); highest among the groups gnomAD compares: South Asian, 2.7%; 4 homozygotes.

Submission:

Illumina Laboratory Services, Illumina
Classification: Benign for Congenital erythropoietic porphyria. Last evaluated: 2018-01-12. Review status: criteria provided, single submitter. Criteria: ICSL Variant Classification Criteria 13 December 2019. Collection method: clinical testing. Allele origin: germline.
Comment: This variant was observed in the ICSL laboratory as part of a predisposition screen in an ostensibly healthy population. It had not been previously curated by ICSL or reported in the Human Gene Mutation Database (HGMD: prior to June 1st, 2018), and was therefore a candidate for classification through an automated scoring system. Utilizing variant allele frequency, disease prevalence and penetrance estimates, and inheritance mode, an automated score was calculated to assess if this variant is too frequent to cause the disease. Based on the score and internal cut-off values, a variant classified as benign is not then subjected to further curation. The score for this variant resulted in a classification of benign for this disease.

NM_000375.3(UROS):c.-136C>T

Gene: UROS (uroporphyrinogen III synthase; minus strand). Cytogenetic location: 10q26.2.
Variant type: single nucleotide variant.
Coding change: c.-136C>T on transcript NM_000375.3 (MANE Select); 136 bases upstream of the start codon, C replaced by T.
Molecular consequence: 5 prime UTR variant. On other transcripts: non-coding transcript variant (4).
Genome position (GRCh38, 1-based): chr10:125,823,138, G>A on the plus strand (C>T on the coding strand, the complement: UROS is on the minus strand). VCF-style: chr10-125823138-G-A. GRCh37 (hg19) VCF-style: chr10-127511707-G-A.
Other names: c.-136C>T (NM_001324036.2, NM_001324037.2, NM_001324038.2 and 1 more transcripts).
Identifiers: ClinVar variation 299197 (VCV000299197.5), dbSNP rs539482783, ClinGen allele CA10631191.
Genomic context (GRCh38, chr10:125,823,138, plus strand): 5'-TCGGGGGGCGGTGTCGCGCAGTCCCAGCGAAAAGGCTGCAGGAGCAATGACAACAGGGGC[G>A]GAAGCCCCCTCCCCACGCAGCCCGAGGGGCCGCGGCGGCCACCCGCGCCGGGCCCCAGGA-3'